The following is an entry in ClinVar:

ClinVar aggregate classification (germline): Uncertain significance (1 of 4 stars; one submission).

Conditions:
Dilated cardiomyopathy 1O (CMD1O). Also called: CARDIOMYOPATHY, DILATED, WITH VENTRICULAR TACHYCARDIA. Identifiers: Orphanet 154, MedGen C1837839, MONDO:0012062, OMIM 608569.

gnomAD v4.1: 3 of 1,613,538 alleles (0.00019%); highest among the groups gnomAD compares: East Asian, 0.0022%; no homozygotes.

Submission:

Labcorp Genetics (formerly Invitae), Labcorp
Classification: Uncertain significance for Dilated cardiomyopathy 1O. Last evaluated: 2026-01-18. Review status: criteria provided, single submitter. Criteria: Invitae Variant Classification Sherloc (09022015). Collection method: clinical testing. Allele origin: germline.
Comment: This sequence change replaces asparagine, which is neutral and polar, with isoleucine, which is neutral and non-polar, at codon 333 of the ABCC9 protein (p.Asn333Ile). This variant is present in population databases (rs531754904, gnomAD 0.007%). This variant has not been reported in the literature in individuals affected with ABCC9-related conditions. Invitae Evidence Modeling of protein sequence and biophysical properties (such as structural, functional, and spatial information, amino acid conservation, physicochemical variation, residue mobility, and thermodynamic stability) indicates that this missense variant is not expected to disrupt ABCC9 protein function with a negative predictive value of 95%. In summary, the available evidence is currently insufficient to determine the role of this variant in disease. Therefore, it has been classified as a Variant of Uncertain Significance.

NM_020297.4(ABCC9):c.998A>T (p.Asn333Ile)

Gene: ABCC9 (ATP binding cassette subfamily C member 9; minus strand). Cytogenetic location: 12p12.1.
Variant type: single nucleotide variant.
Coding change: c.998A>T on transcript NM_020297.4 (MANE Select); coding-DNA position 998, A replaced by T.
Protein change: p.Asn333Ile; replaces asparagine 333 with isoleucine.
Molecular consequence: missense variant.
Genome position (GRCh38, 1-based): chr12:21,912,885, T>A on the plus strand (A>T on the coding strand, the complement: ABCC9 is on the minus strand). VCF-style: chr12-21912885-T-A. GRCh37 (hg19) VCF-style: chr12-22065819-T-A.
Other names: c.998A>T, p.Asn333Ile (NM_001377273.1, NM_005691.4); c.134A>T, p.Asn45Ile (NM_001377274.1); short protein forms N45I, N333I.
Identifiers: ClinVar variation 4772382 (VCV004772382.1).